The following is an entry in ClinVar:

ClinVar aggregate classification (germline): Uncertain significance (1 of 4 stars; one submission).

Submission:

Labcorp Genetics (formerly Invitae), Labcorp
Classification: Uncertain significance. Last evaluated: 2026-01-17. Review status: criteria provided, single submitter. Criteria: Invitae Variant Classification Sherloc (09022015). Collection method: clinical testing. Allele origin: germline.
Comment: This sequence change replaces serine, which is neutral and polar, with cysteine, which is neutral and slightly polar, at codon 14 of the SIRT1 protein (p.Ser14Cys). This variant is not present in population databases (gnomAD no frequency). This variant has not been reported in the literature in individuals affected with SIRT1-related conditions. An algorithm developed to predict the effect of missense changes on protein structure and function (PolyPhen-2) suggests that this variant is likely to be disruptive. In summary, the available evidence is currently insufficient to determine the role of this variant in disease. Therefore, it has been classified as a Variant of Uncertain Significance.

NM_012238.5(SIRT1):c.41C>G (p.Ser14Cys)

Genes: SIRT1 (sirtuin 1; plus strand), LOC107832851 (SIRT1 promoter region; plus strand). Cytogenetic location: 10q21.3.
Variant type: single nucleotide variant.
Coding change: c.41C>G on transcript NM_012238.5 (MANE Select); coding-DNA position 41, C replaced by G.
Protein change: p.Ser14Cys; replaces serine 14 with cysteine.
Molecular consequence: missense variant.
Genome position (GRCh38, 1-based): chr10:67,884,762, C>G. VCF-style: chr10-67884762-C-G. GRCh37 (hg19) VCF-style: chr10-69644520-C-G.
Other names: short protein forms S14C.
Identifiers: ClinVar variation 4734884 (VCV004734884.1).